The following is an entry in ClinVar:

NM_001291303.3(FAT4):c.10336A>T (p.Ile3446Phe)

Gene: FAT4 (FAT atypical cadherin 4; plus strand). Cytogenetic location: 4q28.1.
Variant type: single nucleotide variant.
Coding change: c.10336A>T on transcript NM_001291303.3 (MANE Select); coding-DNA position 10336, A replaced by T.
Protein change: p.Ile3446Phe; replaces isoleucine 3446 with phenylalanine.
Molecular consequence: missense variant.
Genome position (GRCh38, 1-based): chr4:125,451,346, A>T. VCF-style: chr4-125451346-A-T. GRCh37 (hg19) VCF-style: chr4-126372501-A-T.
Other names: c.10336A>T, p.Ile3446Phe (NM_001291285.3); c.10330A>T, p.Ile3444Phe (NM_024582.6); short protein forms I3446F, I3444F.
Identifiers: ClinVar variation 2007913 (VCV002007913.1), dbSNP rs756625118, ClinGen allele CA358158246.

ClinVar aggregate classification (germline): Uncertain significance (1 of 4 stars; one submission).

gnomAD v4.1: 1 of 1,614,128 alleles (0.000062%); highest among the groups gnomAD compares: Non-Finnish European, 0.000085%; no homozygotes.

Submission:

Labcorp Genetics (formerly Invitae), Labcorp
Classification: Uncertain significance. Last evaluated: 2022-06-18. Review status: criteria provided, single submitter. Criteria: Invitae Variant Classification Sherloc (09022015). Collection method: clinical testing. Allele origin: germline.
Comment: This sequence change replaces isoleucine, which is neutral and non-polar, with phenylalanine, which is neutral and non-polar, at codon 3444 of the FAT4 protein (p.Ile3444Phe). This variant is not present in population databases (gnomAD no frequency). This variant has not been reported in the literature in individuals affected with FAT4-related conditions. Advanced modeling of protein sequence and biophysical properties (such as structural, functional, and spatial information, amino acid conservation, physicochemical variation, residue mobility, and thermodynamic stability) performed at Invitae indicates that this missense variant is not expected to disrupt FAT4 protein function. In summary, the available evidence is currently insufficient to determine the role of this variant in disease. Therefore, it has been classified as a Variant of Uncertain Significance.